The following is an entry in ClinVar:

NM_002693.3(POLG):c.1150G>C (p.Asp384His)

Gene: POLG (DNA polymerase gamma, catalytic subunit; minus strand). Cytogenetic location: 15q26.1.
Variant type: single nucleotide variant.
Coding change: c.1150G>C on transcript NM_002693.3 (MANE Select); coding-DNA position 1150, G replaced by C.
Protein change: p.Asp384His; replaces aspartic acid 384 with histidine.
Molecular consequence: missense variant.
Genome position (GRCh38, 1-based): chr15:89,328,705, C>G on the plus strand (G>C on the coding strand, the complement: POLG is on the minus strand). VCF-style: chr15-89328705-C-G. GRCh37 (hg19) VCF-style: chr15-89871936-C-G.
Other names: c.1150G>C, p.Asp384His (NM_001126131.2); short protein forms D384H.
Identifiers: ClinVar variation 839102 (VCV000839102.10), dbSNP rs2055555179, ClinGen allele CA393764702.
Genomic context (GRCh38, chr15:89,328,705, plus strand): 5'-GCCACAGCCCATGTCCCCAGAGCCCCCTCCAGCACCATACCTGGAAGTTCTCACGAATGT[C>G]CTTCATGGTGCCCTTCACAAACAGTTCTCGAGGCTCCTTCTCTAAGGGAGGCCCCCCTAC-3'
Protein context (NP_002684.1, residues 374-394): RELFVKGTMK[Asp384His]IRENFQDLMQ

ClinVar aggregate classification (germline): Uncertain significance (1 of 4 stars; one submission).

Conditions:
Progressive sclerosing poliodystrophy (MTDPS4A). Also called: NEURONAL DEGENERATION OF CHILDHOOD WITH LIVER DISEASE, PROGRESSIVE; Alpers Syndrome; Alpers-Huttenlocher Syndrome (AHS); ALPERS PROGRESSIVE INFANTILE POLIODYSTROPHY; Mitochondrial DNA Depletion Syndrome 4A; ALPERS DIFFUSE DEGENERATION OF CEREBRAL GRAY MATTER WITH HEPATIC CIRRHOSIS. Identifiers: Orphanet 726, MedGen C0205710, MONDO:0008758, OMIM 203700.

Submission:

Labcorp Genetics (formerly Invitae), Labcorp
Classification: Uncertain significance for Progressive sclerosing poliodystrophy. Last evaluated: 2020-03-07. Review status: criteria provided, single submitter. Criteria: Invitae Variant Classification Sherloc (09022015). Collection method: clinical testing. Allele origin: germline.
Comment: This sequence change replaces aspartic acid with histidine at codon 384 of the POLG protein (p.Asp384His). The aspartic acid residue is moderately conserved and there is a moderate physicochemical difference between aspartic acid and histidine. This variant is not present in population databases (ExAC no frequency). This variant has not been reported in the literature in individuals with POLG-related conditions. Algorithms developed to predict the effect of missense changes on protein structure and function are either unavailable or do not agree on the potential impact of this missense change (SIFT: "Deleterious"; PolyPhen-2: "Probably Damaging"; Align-GVGD: "Class C0"). In summary, the available evidence is currently insufficient to determine the role of this variant in disease. Therefore, it has been classified as a Variant of Uncertain Significance.